The following is an entry in ClinVar:

ClinVar aggregate classification (germline): Uncertain significance (1 of 4 stars; one submission).

Allele frequency attached by ClinVar (database versions not stated): 1000 Genomes Project 30x 0.00016; 1000 Genomes Project 0.00020.
gnomAD v4.1: 30 of 1,613,762 alleles (0.0019%); highest among the groups gnomAD compares: Middle Eastern, 0.016%; no homozygotes.

Submission:

Labcorp Genetics (formerly Invitae), Labcorp
Classification: Uncertain significance. Last evaluated: 2022-02-08. Review status: criteria provided, single submitter. Criteria: Invitae Variant Classification Sherloc (09022015). Collection method: clinical testing. Allele origin: germline.
Comment: This sequence change replaces arginine, which is basic and polar, with tryptophan, which is neutral and slightly polar, at codon 1433 of the SPEG protein (p.Arg1433Trp). This variant is present in population databases (rs565767040, gnomAD 0.004%). This variant has not been reported in the literature in individuals affected with SPEG-related conditions. Algorithms developed to predict the effect of missense changes on protein structure and function are either unavailable or do not agree on the potential impact of this missense change (SIFT: "Deleterious"; PolyPhen-2: "Possibly Damaging"; Align-GVGD: "Class C0"). In summary, the available evidence is currently insufficient to determine the role of this variant in disease. Therefore, it has been classified as a Variant of Uncertain Significance.

NM_005876.5(SPEG):c.4297C>T (p.Arg1433Trp)

Gene: SPEG (striated muscle enriched protein kinase; plus strand). Cytogenetic location: 2q35.
Variant type: single nucleotide variant.
Coding change: c.4297C>T on transcript NM_005876.5 (MANE Select); coding-DNA position 4297, C replaced by T.
Protein change: p.Arg1433Trp; replaces arginine 1433 with tryptophan.
Molecular consequence: missense variant.
Genome position (GRCh38, 1-based): chr2:219,473,753, C>T. VCF-style: chr2-219473753-C-T. GRCh37 (hg19) VCF-style: chr2-220338475-C-T.
Other names: short protein forms R1433W.
Identifiers: ClinVar variation 1923725 (VCV001923725.2), dbSNP rs565767040, ClinGen allele CA2126465.